The following is an entry in ClinVar:

ClinVar aggregate classification (germline): Uncertain significance. Review status: criteria provided, multiple submitters, no conflicts (2 of 4 stars). 2 submissions from 2 submitters: Uncertain significance (2). Last evaluated 2022-12-14.

Conditions:
Hereditary cancer-predisposing syndrome. Also called: Hereditary Cancer Syndrome; Tumor predisposition; Hereditary neoplastic syndrome; Neoplastic Syndromes, Hereditary. Identifiers: Orphanet 140162, MedGen C0027672, MeSH D009386, MONDO:0015356.

Submissions (2):

Ambry Genetics
Classification: Uncertain significance for Hereditary cancer-predisposing syndrome. Last evaluated: 2022-12-14. Review status: criteria provided, single submitter. Criteria: Ambry Variant Classification Scheme 2023. Collection method: clinical testing. Allele origin: germline.
Comment: The p.K98E variant (also known as c.292A>G), located in coding exon 2 of the MSH3 gene, results from an A to G substitution at nucleotide position 292. The lysine at codon 98 is replaced by glutamic acid, an amino acid with similar properties. This amino acid position is conserved. In addition, this alteration is predicted to be tolerated by in silico analysis. Since supporting evidence is limited at this time, the clinical significance of this alteration remains unclear.

Labcorp Genetics (formerly Invitae), Labcorp
Classification: Uncertain significance. Last evaluated: 2018-06-30. Review status: criteria provided, single submitter. Criteria: Invitae Variant Classification Sherloc (09022015). Collection method: clinical testing. Allele origin: germline.
Comment: This variant is not present in population databases (ExAC no frequency). This sequence change replaces lysine with glutamic acid at codon 98 of the MSH3 protein (p.Lys98Glu). The lysine residue is weakly conserved and there is a small physicochemical difference between lysine and glutamic acid. In summary, the available evidence is currently insufficient to determine the role of this variant in disease. Therefore, it has been classified as a Variant of Uncertain Significance. Algorithms developed to predict the effect of missense changes on protein structure and function (SIFT, PolyPhen-2, Align-GVGD) all suggest that this variant is likely to be tolerated, but these predictions have not been confirmed by published functional studies and their clinical significance is uncertain. This variant has not been reported in the literature in individuals with MSH3-related disease.

NM_002439.5(MSH3):c.292A>G (p.Lys98Glu)

Gene: MSH3 (mutS homolog 3; plus strand). Cytogenetic location: 5q14.1.
Variant type: single nucleotide variant.
Coding change: c.292A>G on transcript NM_002439.5 (MANE Select); coding-DNA position 292, A replaced by G.
Protein change: p.Lys98Glu; replaces lysine 98 with glutamic acid.
Molecular consequence: missense variant.
Genome position (GRCh38, 1-based): chr5:80,656,465, A>G. VCF-style: chr5-80656465-A-G. GRCh37 (hg19) VCF-style: chr5-79952284-A-G.
Other names: c.292A>G (NM_002439.3); short protein forms K98E.
Identifiers: ClinVar variation 1056279 (VCV001056279.10), dbSNP rs1749288232, ClinGen allele CA360266284.